The following is an entry in ClinVar:

NM_031885.5(BBS2):c.244G>A (p.Val82Ile)

Gene: BBS2 (Bardet-Biedl syndrome 2; minus strand). Cytogenetic location: 16q13.
Variant type: single nucleotide variant.
Coding change: c.244G>A on transcript NM_031885.5 (MANE Select); coding-DNA position 244, G replaced by A.
Protein change: p.Val82Ile; replaces valine 82 with isoleucine.
Molecular consequence: missense variant. On other transcripts: non-coding transcript variant (5).
Genome position (GRCh38, 1-based): chr16:56,514,554, C>T on the plus strand (G>A on the coding strand, the complement: BBS2 is on the minus strand). VCF-style: chr16-56514554-C-T. GRCh37 (hg19) VCF-style: chr16-56548466-C-T.
Other names: c.244G>A, p.Val82Ile (NM_001377456.1); short protein forms V82I.
Identifiers: ClinVar variation 3355210 (VCV003355210.1).
Genomic context (GRCh38, chr16:56,514,554, plus strand): 5'-CCAAAAGATTAGTCTGTGTCCCCACTAAAAGGGCATCATAGCCAAGCTCAGGGTTCAATA[C>T]GCCTGCAGTCAGACAGCTGACTGCCTGGTTAATGCTGAGAAGAGAAACATCAGATTCCAG-3'
Protein context (NP_114091.4, residues 72-92): NQAVSCLTAG[Val82Ile]LNPELGYDAL

ClinVar aggregate classification (germline): Uncertain significance (0 of 4 stars; one submission).

Conditions:
BBS2-related disorder. Also called: BBS2-related disorders; BBS2-related condition. Identifiers: MedGen CN239228.

gnomAD v4.1: 19 of 1,614,012 alleles (0.0012%); highest among the groups gnomAD compares: African/African-American, 0.004%; no homozygotes.

Submission:

PreventionGenetics, part of Exact Sciences
Classification: Uncertain significance for BBS2-related condition. Last evaluated: 2024-01-18. Review status: no assertion criteria provided. Collection method: clinical testing. Allele origin: germline.
Comment: The BBS2 c.244G>A variant is predicted to result in the amino acid substitution p.Val82Ile. To our knowledge, this variant has not been reported in the literature. This variant is reported in 0.012% of alleles in individuals of African descent in gnomAD. At this time, the clinical significance of this variant is uncertain due to the absence of conclusive functional and genetic evidence.